The following is an entry in ClinVar:

ClinVar aggregate classification (germline): Uncertain significance (1 of 4 stars; one submission).

Conditions:
Monocytopenia with susceptibility to infections. Also called: MONOCYTOPENIA AND MYCOBACTERIAL INFECTION SYNDROME; MONOCYTOPENIA WITH SUSCEPTIBILITY TO MYCOBACTERIAL, FUNGAL, AND PAPILLOMAVIRUS INFECTIONS AND MYELODYSPLASIA; COMBINED IMMUNODEFICIENCY WITH SUSCEPTIBILITY TO MYCOBACTERIAL, VIRAL, AND FUNGAL INFECTIONS; Dendritic cell, monocyte, B lymphocyte, and natural killer lymphocyte deficiency; IMMUNODEFICIENCY 21; GATA2 DEFICIENCY. Identifiers: Orphanet 228423, MedGen C3280030, MONDO:0013607, OMIM 614172.
Deafness-lymphedema-leukemia syndrome. Also called: Lymphedema, primary, with myelodysplasia; Emberger syndrome. Identifiers: Orphanet 3226, MedGen C3279664, MONDO:0013540, OMIM 614038.

Submission:

Labcorp Genetics (formerly Invitae), Labcorp
Classification: Uncertain significance for Monocytopenia with susceptibility to infections; Deafness-lymphedema-leukemia syndrome. Last evaluated: 2022-07-05. Review status: criteria provided, single submitter. Criteria: Invitae Variant Classification Sherloc (09022015). Collection method: clinical testing. Allele origin: germline.
Comment: Advanced modeling of protein sequence and biophysical properties (such as structural, functional, and spatial information, amino acid conservation, physicochemical variation, residue mobility, and thermodynamic stability) performed at Invitae indicates that this missense variant is not expected to disrupt GATA2 protein function. ClinVar contains an entry for this variant (Variation ID: 472439). This variant has not been reported in the literature in individuals affected with GATA2-related conditions. This variant is not present in population databases (gnomAD no frequency). This sequence change replaces methionine, which is neutral and non-polar, with isoleucine, which is neutral and non-polar, at codon 421 of the GATA2 protein (p.Met421Ile). In summary, the available evidence is currently insufficient to determine the role of this variant in disease. Therefore, it has been classified as a Variant of Uncertain Significance.

NM_032638.5(GATA2):c.1263G>A (p.Met421Ile)

Gene: GATA2 (GATA binding protein 2; minus strand). Cytogenetic location: 3q21.3.
Variant type: single nucleotide variant.
Coding change: c.1263G>A on transcript NM_032638.5 (MANE Select); coding-DNA position 1263, G replaced by A.
Protein change: p.Met421Ile; replaces methionine 421 with isoleucine.
Molecular consequence: missense variant.
Genome position (GRCh38, 1-based): chr3:128,481,199, C>T on the plus strand (G>A on the coding strand, the complement: GATA2 is on the minus strand). VCF-style: chr3-128481199-C-T. GRCh37 (hg19) VCF-style: chr3-128200042-C-T.
Other names: c.1263G>A, p.Met421Ile (NM_001145661.2); c.1221G>A, p.Met407Ile (NM_001145662.1); short protein forms M421I, M407I.
Identifiers: ClinVar variation 472439 (VCV000472439.8), dbSNP rs1553770422, ClinGen allele CA354412936.